The following is an entry in ClinVar:

NM_002485.5(NBN):c.38-2A>G

Gene: NBN (nibrin; minus strand). Cytogenetic location: 8q21.3.
Variant type: single nucleotide variant.
Coding change: c.38-2A>G on transcript NM_002485.5 (MANE Select); the canonical splice acceptor site of the intron before coding-DNA position 38, A replaced by G.
Molecular consequence: splice acceptor variant.
Genome position (GRCh38, 1-based): chr8:89,982,857, T>C on the plus strand (A>G on the coding strand, the complement: NBN is on the minus strand). VCF-style: chr8-89982857-T-C. GRCh37 (hg19) VCF-style: chr8-90995085-T-C.
Other names: c.-259-2A>G (NM_001024688.3).
Identifiers: ClinVar variation 630225 (VCV000630225.22), dbSNP rs771475965, ClinGen allele CA4803066.
Genomic context (GRCh38, chr8:89,982,857, plus strand): 5'-GGCACAGTTTTTCCTTCCAACAACGTACTCAACGCCAGTCAAAAGTCTGTATGGTTCTCC[T>C]GAGATAAATTTTTTTTTAAAAAAAGATAAGTTGATAGACACATACACATGTACACGAACA-3'

ClinVar aggregate classification (germline): Likely pathogenic. Review status: criteria provided, multiple submitters, no conflicts (2 of 4 stars). 6 submissions from 6 submitters: Likely pathogenic (6). Last evaluated 2024-06-28.

Conditions:
Hereditary cancer-predisposing syndrome. Also called: Hereditary Cancer Syndrome; Neoplastic Syndromes, Hereditary; Tumor predisposition; Hereditary neoplastic syndrome. Identifiers: Orphanet 140162, MedGen C0027672, MeSH D009386, MONDO:0015356.
Aplastic anemia. Identifiers: Orphanet 182040, Orphanet 88, MedGen C0002874, MONDO:0015909, OMIM 609135, HP:0001915.
Acute lymphoid leukemia (ALL). Also called: Leukemia, acute lymphoblastic, somatic; Lymphoblastic leukemia; Acute lymphoblastic leukemia; Acute lymphocytic leukemia. Identifiers: Orphanet 513, MedGen C0023449, MONDO:0004967, OMIM 613065, HP:0006721.
Microcephaly, normal intelligence and immunodeficiency (NBS). Also called: Immunodeficiency, microcephaly with normal intelligence; SEEMANOVA SYNDROME II; Nijmegen breakage syndrome; Microcephaly with normal intelligence immunodeficiency and lymphoreticular malignancies; Nonsyndromal microcephaly autosomal recessive with normal intelligence; Seemanova syndrome 2. Identifiers: Orphanet 647, MedGen C0398791, MONDO:0009623, OMIM 251260.

Allele frequency attached by ClinVar (database versions not stated): gnomAD exomes below 0.00001 and 0.00001; ExAC 0.00001.
gnomAD v4.1: 10 of 1,613,004 alleles (0.00062%); highest among the groups gnomAD compares: South Asian, 0.0099%; no homozygotes.

Submissions (6):

Natera, Inc.
Classification: Likely pathogenic for Nijmegen breakage syndrome. Last evaluated: 2024-06-28. Review status: criteria provided, single submitter. Criteria: Natera Variant Classification Schema (03/2026). Collection method: clinical testing. Allele origin: germline.
Comment: The c.38-2A>G variant in NBN is a canonical splice acceptor site variant predicted to affect pre-mRNA splicing, which may result in an abnormal transcript and altered protein product. This variant is expected to result in nonsense mediated decay, truncation, or a dysfunctional protein product. This variant is rare in the general population with a frequency below the threshold expected for the associated phenotype(s). Given the available evidence, this variant is classified as Likely Pathogenic.

Fulgent Genetics
Classification: Likely pathogenic for Microcephaly, normal intelligence and immunodeficiency; Aplastic anemia; Acute lymphoid leukemia. Last evaluated: 2024-04-09. Review status: criteria provided, single submitter. Criteria: ACMG Guidelines, 2015. Collection method: clinical testing. Allele origin: germline.

Labcorp Genetics (formerly Invitae), Labcorp
Classification: Likely pathogenic for Microcephaly, normal intelligence and immunodeficiency. Last evaluated: 2023-12-11. Review status: criteria provided, single submitter. Criteria: Invitae Variant Classification Sherloc (09022015). Collection method: clinical testing. Allele origin: germline.
Comment: This sequence change affects an acceptor splice site in intron 1 of the NBN gene. RNA analysis indicates that disruption of this splice site induces altered splicing and may result in an absent or disrupted protein product. This variant is present in population databases (rs771475965, gnomAD 0.0009%). This variant has not been reported in the literature in individuals affected with NBN-related conditions. ClinVar contains an entry for this variant (Variation ID: 630225). Studies have shown that disruption of this splice site results in skipping of exon 2 and introduces a premature termination codon (Invitae). The resulting mRNA is expected to undergo nonsense-mediated decay. In summary, the currently available evidence indicates that the variant is pathogenic, but additional data are needed to prove that conclusively. Therefore, this variant has been classified as Likely Pathogenic.

Baylor Genetics
Classification: Likely pathogenic for Aplastic anemia. Last evaluated: 2023-10-26. Review status: criteria provided, single submitter. Criteria: ACMG Guidelines, 2015. Collection method: clinical testing. Allele origin: unknown.

Ambry Genetics
Classification: Likely pathogenic for Hereditary cancer-predisposing syndrome. Last evaluated: 2023-10-25. Review status: criteria provided, single submitter. Criteria: Ambry Variant Classification Scheme 2023. Collection method: clinical testing. Allele origin: germline.
Comment: The c.38-2A>G intronic variant results from an A to G substitution two nucleotides upstream from coding exon 2 in the NBN gene. This nucleotide position is highly conserved in available vertebrate species. In silico splice site analysis predicts that this alteration will weaken the native splice acceptor site and will result in the creation or strengthening of a novel splice acceptor site. RNA studies have demonstrated that this alteration results in abnormal splicing in the set of samples tested (Ambry internal data). Alterations that disrupt the canonical splice site are expected to cause aberrant splicing, resulting in an abnormal protein or a transcript that is subject to nonsense-mediated mRNA decay. As such, this alteration is classified as likely pathogenic.

Genome-Nilou Lab
Classification: Likely pathogenic for Microcephaly, normal intelligence and immunodeficiency. Last evaluated: 2021-11-07. Review status: criteria provided, single submitter. Criteria: ACMG Guidelines, 2015. Collection method: clinical testing. Allele origin: germline. Affected: no.